The following is an entry in ClinVar:

NM_002691.4(POLD1):c.863C>A (p.Ala288Glu)

Gene: POLD1 (DNA polymerase delta 1, catalytic subunit; plus strand). Cytogenetic location: 19q13.33.
Variant type: single nucleotide variant.
Coding change: c.863C>A on transcript NM_002691.4 (MANE Select); coding-DNA position 863, C replaced by A.
Protein change: p.Ala288Glu; replaces alanine 288 with glutamic acid.
Molecular consequence: missense variant. On other transcripts: non-coding transcript variant (1).
Genome position (GRCh38, 1-based): chr19:50,402,634, C>A. VCF-style: chr19-50402634-C-A. GRCh37 (hg19) VCF-style: chr19-50905891-C-A.
Other names: c.863C>A, p.Ala288Glu (NM_001256849.1, NM_001308632.1); short protein forms A288E.
Identifiers: ClinVar variation 1397827 (VCV001397827.10), dbSNP rs755550936, ClinGen allele CA406976755.
Genomic context (GRCh38, chr19:50,402,634, plus strand): 5'-GTACCCTGCTGCCACCGCTGACCCACCCATGCCCACAGGCTACGCAGTGCCAGCTGGAGG[C>A]GGACGTGCTGTGGTCTGACGTGGTCAGTCACCCACCGGAAGGGCCATGGCAGCGCATTGC-3'
Protein context (NP_002682.2, residues 278-298): KEKATQCQLE[Ala288Glu]DVLWSDVVSH

ClinVar aggregate classification (germline): Uncertain significance. Review status: criteria provided, multiple submitters, no conflicts (2 of 4 stars). 2 submissions from 2 submitters: Uncertain significance (2). Last evaluated 2025-02-17.

Conditions:
POLD1-related polyposis and colorectal cancer syndrome (CRCS10). Also called: Colorectal cancer, susceptibility to, 10; Colorectal cancer 10; COLORECTAL CANCER, SUSCEPTIBILITY TO, ON CHROMOSOME 19q. Identifiers: Orphanet 220460, MedGen C2675481, MONDO:0012953, OMIM 612591.
Hereditary cancer-predisposing syndrome. Also called: Tumor predisposition; Hereditary Cancer Syndrome; Hereditary neoplastic syndrome; Neoplastic Syndromes, Hereditary. Identifiers: Orphanet 140162, MedGen C0027672, MeSH D009386, MONDO:0015356.

gnomAD v4.1: 1 of 1,577,092 alleles (0.000063%); highest among the groups gnomAD compares: Non-Finnish European, 0.000086%; no homozygotes.

Submissions (2):

Labcorp Genetics (formerly Invitae), Labcorp
Classification: Uncertain significance for POLD1-related polyposis and colorectal cancer syndrome. Last evaluated: 2025-02-17. Review status: criteria provided, single submitter. Criteria: Invitae Variant Classification Sherloc (09022015). Collection method: clinical testing. Allele origin: germline.
Comment: This sequence change replaces alanine, which is neutral and non-polar, with glutamic acid, which is acidic and polar, at codon 288 of the POLD1 protein (p.Ala288Glu). This variant is not present in population databases (gnomAD no frequency). This variant has not been reported in the literature in individuals affected with POLD1-related conditions. ClinVar contains an entry for this variant (Variation ID: 1397827). Invitae Evidence Modeling of protein sequence and biophysical properties (such as structural, functional, and spatial information, amino acid conservation, physicochemical variation, residue mobility, and thermodynamic stability) indicates that this missense variant is not expected to disrupt POLD1 protein function with a negative predictive value of 80%. In summary, the available evidence is currently insufficient to determine the role of this variant in disease. Therefore, it has been classified as a Variant of Uncertain Significance.

Ambry Genetics
Classification: Uncertain significance for Hereditary cancer-predisposing syndrome. Last evaluated: 2023-08-26. Review status: criteria provided, single submitter. Criteria: Ambry Variant Classification Scheme 2023. Collection method: clinical testing. Allele origin: germline.
Comment: The p.A288E variant (also known as c.863C>A), located in coding exon 7 of the POLD1 gene, results from a C to A substitution at nucleotide position 863. The alanine at codon 288 is replaced by glutamic acid, an amino acid with dissimilar properties. This amino acid position is conserved. In addition, this alteration is predicted to be tolerated by in silico analysis. Since supporting evidence is limited at this time, the clinical significance of this alteration remains unclear.